The following is an entry in ClinVar:

GRCh38/hg38 19p13.11(chr19:17565464-17719112)x1

Genes: COLGALT1 (collagen beta(1-O)galactosyltransferase 1; plus strand), UNC13A (unc-13 homolog A; minus strand), LOC112543463 (Sharpr-MPRA regulatory region 8704; plus strand), LOC130063953 (ATAC-STARR-seq lymphoblastoid active region 14280; plus strand), LOC130063954 (ATAC-STARR-seq lymphoblastoid active region 14281; plus strand). Cytogenetic location: 19p13.11.
Variant type: copy number loss.
Change: copy number 1 (one copy instead of two) of chr19:17,565,464-17,719,112 (153.6 kb, GRCh38 coordinates, 1-based), cytogenetic band 19p13.11.
Identifiers: ClinVar variation 4796253 (VCV004796253.1).

ClinVar aggregate classification (germline): Uncertain significance (1 of 4 stars; one submission).

Submission:

Medical Genetic Center, Changzhi Maternal and Child Health Care Hospital
Classification: Uncertain significance. Last evaluated: 2025-12-10. Review status: criteria provided, single submitter. Criteria: ACMG/ClinGen CNV Guidelines, 2019. Collection method: clinical testing. Allele origin: unknown.